The following is an entry in ClinVar:

ClinVar aggregate classification (germline): Pathogenic. Review status: criteria provided, multiple submitters, no conflicts (2 of 4 stars). 4 submissions from 4 submitters: Pathogenic (4). Last evaluated 2024-06-20.

Conditions:
Hypercalcemia, infantile, 1 (HCINF1). Identifiers: Orphanet 300547, MedGen CN031131, MONDO:0020739, OMIM 143880.

Allele frequency attached by ClinVar (database versions not stated): gnomAD exomes 0.00001; TOPMed 0.00002; gnomAD 0.00002.
gnomAD v4.1: 21 of 1,605,516 alleles (0.0013%); highest among the groups gnomAD compares: Admixed American, 0.005%; no homozygotes.

Submissions (4):

Fulgent Genetics
Classification: Pathogenic for Hypercalcemia, infantile, 1. Last evaluated: 2024-06-20. Review status: criteria provided, single submitter. Criteria: ACMG Guidelines, 2015. Collection method: clinical testing. Allele origin: germline.

Women's Health and Genetics/Laboratory Corporation of America, LabCorp
Classification: Pathogenic for Hypercalcemia, infantile, 1. Last evaluated: 2024-03-13. Review status: criteria provided, single submitter. Criteria: LabCorp Variant Classification Summary - May 2015. Collection method: clinical testing. Allele origin: germline.
Comment: Variant summary: CYP24A1 c.1396C>T (p.Arg466X) results in a premature termination codon, predicted to cause a truncation of the encoded protein or absence of the protein due to nonsense mediated decay, which are commonly known mechanisms for disease. The variant allele was found at a frequency of 8e-06 in 251434 control chromosomes. c.1396C>T has been reported in the literature in individuals affected with Hypercalcemia, Infantile, 1 (Murphy_2019). These data indicate that the variant may be associated with disease. To our knowledge, no experimental evidence demonstrating an impact on protein function has been reported. The following publication have been ascertained in the context of this evaluation (PMID: 31194111). ClinVar contains an entry for this variant (Variation ID: 1072834). Based on the evidence outlined above, the variant was classified as pathogenic.

Labcorp Genetics (formerly Invitae), Labcorp
Classification: Pathogenic. Last evaluated: 2023-12-31. Review status: criteria provided, single submitter. Criteria: Invitae Variant Classification Sherloc (09022015). Collection method: clinical testing. Allele origin: germline.
Comment: This sequence change creates a premature translational stop signal (p.Arg466*) in the CYP24A1 gene. It is expected to result in an absent or disrupted protein product. Loss-of-function variants in CYP24A1 are known to be pathogenic (PMID: 21675912). This variant is present in population databases (no rsID available, gnomAD 0.003%). This variant has not been reported in the literature in individuals affected with CYP24A1-related conditions. ClinVar contains an entry for this variant (Variation ID: 1072834). For these reasons, this variant has been classified as Pathogenic.

Revvity Omics, Revvity
Classification: Pathogenic for Hypercalcemia, infantile, 1. Last evaluated: 2022-06-16. Review status: criteria provided, single submitter. Criteria: ACMG Guidelines, 2015. Collection method: clinical testing. Allele origin: germline.

Literature cited by the submitters: PubMed 31194111 (cited by Women's Health and Genetics/Laboratory Corporation of America, LabCorp); PubMed 21675912 (cited by Labcorp Genetics (formerly Invitae), Labcorp).

NM_000782.5(CYP24A1):c.1396C>T (p.Arg466Ter)

Gene: CYP24A1 (cytochrome P450 family 24 subfamily A member 1; minus strand). Cytogenetic location: 20q13.2.
Variant type: single nucleotide variant.
Coding change: c.1396C>T on transcript NM_000782.5 (MANE Select); coding-DNA position 1396, C replaced by T.
Protein change: p.Arg466Ter; replaces arginine 466 with a stop codon.
Molecular consequence: nonsense. On other transcripts: intron variant (1).
Genome position (GRCh38, 1-based): chr20:54,157,426, G>A on the plus strand (C>T on the coding strand, the complement: CYP24A1 is on the minus strand). VCF-style: chr20-54157426-G-A. GRCh37 (hg19) VCF-style: chr20-52773965-G-A.
Other names: c.1237-137C>T (NM_001128915.2); short protein forms R466*.
Identifiers: ClinVar variation 1072834 (VCV001072834.14), dbSNP rs988715134, ClinGen allele CA316201771.